The following is an entry in ClinVar:

ClinVar aggregate classification (germline): Likely benign. Review status: criteria provided, multiple submitters, no conflicts (2 of 4 stars). 11 submissions from 11 submitters: Likely benign (7). 4 of the submissions do not count toward it. Last evaluated 2026-02-02.

Conditions:
EVC2-related disorder. Also called: EVC2-related condition.
Curry-Hall syndrome (WAD). Also called: WEYERS ACRODENTAL DYSOSTOSIS. Identifiers: Orphanet 952, MedGen C0457013, MONDO:0008673, OMIM 193530.
Ellis-van Creveld syndrome (EVC). Also called: Chondroectodermal dysplasia; MESOECTODERMAL DYSPLASIA. Identifiers: Orphanet 289, MedGen C0013903, MONDO:0009162, OMIM 225500.

Allele frequency attached by ClinVar (database versions not stated): ESP Exome Variant Server 0.00161; ExAC 0.00203; 1000 Genomes Project 0.00140; 1000 Genomes Project 30x 0.00141; gnomAD 0.00203 and 0.00205; gnomAD exomes 0.00218 and 0.00282; TOPMed 0.00234.
gnomAD v4.1: 4,420 of 1,614,062 alleles (0.27%); highest among the groups gnomAD compares: Non-Finnish European, 0.33%; 5 homozygotes.

Submissions (11):

Labcorp Genetics (formerly Invitae), Labcorp
Classification: Likely benign for Curry-Hall syndrome; Ellis-van Creveld syndrome. Last evaluated: 2026-02-02. Review status: criteria provided, single submitter. Criteria: Invitae Variant Classification Sherloc (09022015). Collection method: clinical testing. Allele origin: germline.

Blueprint Genetics
Classification: Likely benign. Last evaluated: 2024-11-25. Review status: criteria provided, single submitter. Criteria: ACMG Guidelines, 2015. Collection method: clinical testing. Allele origin: germline.

ARUP Laboratories, Molecular Genetics and Genomics, ARUP Laboratories
Classification: Likely benign. Last evaluated: 2023-11-01. Review status: criteria provided, single submitter. Criteria: ARUP Molecular Germline Variant Investigation Process 2024. Collection method: clinical testing. Allele origin: germline.

GeneDx
Classification: Likely benign. Last evaluated: 2020-08-30. Review status: criteria provided, single submitter. Criteria: GeneDx Variant Classification Process June 2021. Collection method: clinical testing. Allele origin: germline. Affected: yes.
Comment: This variant is associated with the following publications: (PMID: 25047945)

Eurofins Ntd Llc (ga)
Classification: Likely benign. Last evaluated: 2018-06-02. Review status: criteria provided, single submitter. Criteria: EGL ClinVar v180209 classification definitions. Collection method: clinical testing. Allele origin: germline. Observed: 2 variant alleles, 2 heterozygotes.

Illumina Laboratory Services, Illumina
Classification: Likely benign for Ellis-van Creveld syndrome. Last evaluated: 2017-04-27. Review status: criteria provided, single submitter. Criteria: ICSL Variant Classification Criteria 13 December 2019. Collection method: clinical testing. Allele origin: germline.
Comment: This variant was observed as part of a predisposition screen in an ostensibly healthy population. A literature search was performed for the gene, cDNA change, and amino acid change (where applicable). Publications were found based on this search. The evidence from the literature, in combination with allele frequency data from public databases where available, was sufficient to determine this variant is unlikely to cause disease. Therefore, this variant is classified as likely benign.

Breakthrough Genomics
Classification: Likely benign. Review status: criteria provided, single submitter. Criteria: ACMG Guidelines, 2015. Collection method: not provided. Allele origin: germline. Inheritance: Autosomal recessive inheritance. Affected: yes.

PreventionGenetics, part of Exact Sciences
Classification: Likely benign for EVC2-related condition. Last evaluated: 2021-01-13. Review status: no assertion criteria provided. Collection method: clinical testing. Allele origin: germline. Not counted in ClinVar's aggregate classification.
Comment: This variant is classified as likely benign based on ACMG/AMP sequence variant interpretation guidelines (Richards et al. 2015 PMID: 25741868, with internal and published modifications).

Clinical Genetics DNA and cytogenetics Diagnostics Lab, Erasmus MC, Erasmus Medical Center
Classification: Likely benign. Review status: no assertion criteria provided. Collection method: clinical testing. Allele origin: germline. Affected: yes. Study: VKGL Data-share Consensus. Not counted in ClinVar's aggregate classification.

Genome Diagnostics Laboratory, University Medical Center Utrecht
Classification: Benign. Review status: no assertion criteria provided. Collection method: clinical testing. Allele origin: germline. Affected: yes. Study: VKGL Data-share Consensus. Not counted in ClinVar's aggregate classification.

Laboratory of Diagnostic Genome Analysis, Leiden University Medical Center (LUMC)
Classification: Likely benign. Review status: no assertion criteria provided. Collection method: clinical testing. Allele origin: germline. Affected: yes. Study: VKGL Data-share Consensus. Not counted in ClinVar's aggregate classification.

Literature cited by the submitters: PubMed 25047945 (cited by Illumina Laboratory Services, Illumina).

NM_147127.5(EVC2):c.1462G>A (p.Gly488Ser)

Genes: EVC2 (EvC ciliary complex subunit 2; minus strand), LOC126806961 (BRD4-independent group 4 enhancer GRCh37_chr4:5641443-5642642; plus strand). Cytogenetic location: 4p16.2.
Variant type: single nucleotide variant.
Coding change: c.1462G>A on transcript NM_147127.5 (MANE Select); coding-DNA position 1462, G replaced by A.
Protein change: p.Gly488Ser; replaces glycine 488 with serine.
Molecular consequence: missense variant.
Genome position (GRCh38, 1-based): chr4:5,640,522, C>T on the plus strand (G>A on the coding strand, the complement: EVC2 is on the minus strand). VCF-style: chr4-5640522-C-T. GRCh37 (hg19) VCF-style: chr4-5642249-C-T.
Other names: c.1222G>A, p.Gly408Ser (NM_001166136.2); short protein forms G488S, G408S.
Identifiers: ClinVar variation 281704 (VCV000281704.35), dbSNP rs145277501, ClinGen allele CA2835061.